The following is an entry in ClinVar:

ClinVar aggregate classification (germline): Uncertain significance (1 of 4 stars; one submission).

Conditions:
Cardiomyopathy (CMYO). Also called: Cardiomyopathies. Identifiers: Orphanet 167848, MedGen C0878544, MONDO:0004994, HP:0001638. Inheritance: Various modes of inheritance.

Allele frequency attached by ClinVar (database versions not stated): gnomAD exomes below 0.00001.
gnomAD v4.1: 1 of 1,574,444 alleles (0.000064%); highest among the groups gnomAD compares: Non-Finnish European, 0.000086%; no homozygotes.

Submission:

Color Diagnostics, LLC DBA Color Health
Classification: Uncertain significance for Cardiomyopathy. Last evaluated: 2023-12-04. Review status: criteria provided, single submitter. Criteria: ACMG Guidelines, 2015. Collection method: clinical testing. Allele origin: germline.
Comment: This missense variant replaces proline with serine at codon 1066 of the MYBPC3 protein. Computational prediction is inconclusive regarding the impact of this variant on protein structure and function (internally defined REVEL score threshold 0.5 < inconclusive < 0.7, PMID: 27666373). To our knowledge, functional studies have not been reported for this variant. This variant has not been reported in individuals affected with MYBPC3-related disorders in the literature. This variant has not been identified in the general population by the Genome Aggregation Database (gnomAD). The available evidence is insufficient to determine the role of this variant in disease conclusively. Therefore, this variant is classified as a Variant of Uncertain Significance.

NM_000256.3(MYBPC3):c.3196C>T (p.Pro1066Ser)

Gene: MYBPC3 (myosin binding protein C3; minus strand). Cytogenetic location: 11p11.2.
Variant type: single nucleotide variant.
Coding change: c.3196C>T on transcript NM_000256.3 (MANE Select); coding-DNA position 3196, C replaced by T.
Protein change: p.Pro1066Ser; replaces proline 1066 with serine.
Molecular consequence: missense variant.
Genome position (GRCh38, 1-based): chr11:47,333,328, G>A on the plus strand (C>T on the coding strand, the complement: MYBPC3 is on the minus strand). VCF-style: chr11-47333328-G-A. GRCh37 (hg19) VCF-style: chr11-47354879-G-A.
Other names: short protein forms P1066S.
Identifiers: ClinVar variation 925170 (VCV000925170.4), dbSNP rs2095879157, ClinGen allele CA380314546.
Genomic context (GRCh38, chr11:47,333,328, plus strand): 5'-ACTCCAGAGCCACATTAAGACCCCAGGCGTCAGTCACCCGGAGATCCTGGGGAGGACTTG[G>A]CTTGTCTGCGGGAGACAGACCCAGTTGGGTCACCACGCCTCCTGACAGTGAGCAGGGGGT-3'
Protein context (NP_000247.2, residues 1056-1076): ATLVLQVVDK[Pro1066Ser]SPPQDLRVTD